The following is an entry in ClinVar:

NM_207111.4(RNF216):c.1574G>A (p.Arg525Gln)

Gene: RNF216 (ring finger protein 216; minus strand). Cytogenetic location: 7p22.1.
Variant type: single nucleotide variant.
Coding change: c.1574G>A on transcript NM_207111.4 (MANE Select); coding-DNA position 1574, G replaced by A.
Protein change: p.Arg525Gln; replaces arginine 525 with glutamine.
Molecular consequence: missense variant.
Genome position (GRCh38, 1-based): chr7:5,721,103, C>T on the plus strand (G>A on the coding strand, the complement: RNF216 is on the minus strand). VCF-style: chr7-5721103-C-T. GRCh37 (hg19) VCF-style: chr7-5760734-C-T.
Other names: c.1403G>A, p.Arg468Gln (NM_001377156.1, NM_207116.3); short protein forms R525Q, R468Q.
Identifiers: ClinVar variation 2064543 (VCV002064543.4), dbSNP rs188558006, ClinGen allele CA4148138.

ClinVar aggregate classification (germline): Uncertain significance. Review status: criteria provided, multiple submitters, no conflicts (2 of 4 stars). 2 submissions from 2 submitters: Uncertain significance (2). Last evaluated 2025-04-07.

Conditions:
Inborn genetic diseases. Identifiers: MedGen C0950123, MeSH D030342.

Allele frequency attached by ClinVar (database versions not stated): ESP Exome Variant Server 0.00008; TOPMed 0.00008; gnomAD 0.00009; 1000 Genomes Project 0.00020; 1000 Genomes Project 30x 0.00031; ExAC 0.00007.
gnomAD v4.1: 368 of 1,613,764 alleles (0.023%); highest among the groups gnomAD compares: Non-Finnish European, 0.03%; no homozygotes.

Submissions (2):

Ambry Genetics
Classification: Uncertain significance for Inborn genetic diseases. Last evaluated: 2025-04-07. Review status: criteria provided, single submitter. Criteria: Ambry Variant Classification Scheme 2023. Collection method: clinical testing. Allele origin: germline.

Labcorp Genetics (formerly Invitae), Labcorp
Classification: Uncertain significance. Last evaluated: 2022-02-18. Review status: criteria provided, single submitter. Criteria: Invitae Variant Classification Sherloc (09022015). Collection method: clinical testing. Allele origin: germline.
Comment: Algorithms developed to predict the effect of missense changes on protein structure and function output the following: SIFT: "Tolerated"; PolyPhen-2: "Benign"; Align-GVGD: "Class C0". The glutamine amino acid residue is found in multiple mammalian species, which suggests that this missense change does not adversely affect protein function. In summary, the available evidence is currently insufficient to determine the role of this variant in disease. Therefore, it has been classified as a Variant of Uncertain Significance. This variant has not been reported in the literature in individuals affected with RNF216-related conditions. This variant is present in population databases (rs188558006, gnomAD 0.02%). This sequence change replaces arginine, which is basic and polar, with glutamine, which is neutral and polar, at codon 525 of the RNF216 protein (p.Arg525Gln).